The following is an entry in ClinVar:

NM_000051.4(ATM):c.5570C>T (p.Ser1857Leu)

Gene: ATM (ATM serine/threonine kinase; plus strand). Cytogenetic location: 11q22.3.
Variant type: single nucleotide variant.
Coding change: c.5570C>T on transcript NM_000051.4 (MANE Select); coding-DNA position 5570, C replaced by T.
Protein change: p.Ser1857Leu; replaces serine 1857 with leucine.
Molecular consequence: missense variant.
Genome position (GRCh38, 1-based): chr11:108,304,748, C>T. VCF-style: chr11-108304748-C-T. GRCh37 (hg19) VCF-style: chr11-108175475-C-T.
Other names: c.5570C>T, p.Ser1857Leu (NM_001351834.2); short protein forms S1857L.
Identifiers: ClinVar variation 2896485 (VCV002896485.4), dbSNP rs2135944016, ClinGen allele CA382546083.

ClinVar aggregate classification (germline): Uncertain significance. Review status: criteria provided, multiple submitters, no conflicts (2 of 4 stars). 3 submissions from 3 submitters: Uncertain significance (3). Last evaluated 2026-02-06.

Conditions:
Ataxia-telangiectasia syndrome (AT). Also called: LOUIS-BAR SYNDROME; Cerebello-oculocutaneous telangiectasia; Immunodeficiency with ataxia telangiectasia; Ataxia-telangiectasia, complementation group D; AT, COMPLEMENTATION GROUP C; ATAXIA-TELANGIECTASIA, COMPLEMENTATION GROUP A. Identifiers: Orphanet 100, MedGen C0004135, MONDO:0008840, OMIM 208900.
Hereditary cancer-predisposing syndrome. Also called: Tumor predisposition; Neoplastic Syndromes, Hereditary; Hereditary Cancer Syndrome; Hereditary neoplastic syndrome. Identifiers: Orphanet 140162, MedGen C0027672, MeSH D009386, MONDO:0015356.

Submissions (3):

Ambry Genetics
Classification: Uncertain significance for Hereditary cancer-predisposing syndrome. Last evaluated: 2026-02-06. Review status: criteria provided, single submitter. Criteria: Ambry Variant Classification Scheme 2023. Collection method: clinical testing. Allele origin: germline.
Comment: The p.S1857L variant (also known as c.5570C>T), located in coding exon 36 of the ATM gene, results from a C to T substitution at nucleotide position 5570. The serine at codon 1857 is replaced by leucine, an amino acid with dissimilar properties. This amino acid position is well conserved in available vertebrate species. In addition, this alteration is predicted to be tolerated by in silico analysis. Based on the available evidence, the clinical significance of this variant remains unclear.

Quest Diagnostics Nichols Institute San Juan Capistrano
Classification: Uncertain significance. Last evaluated: 2025-08-27. Review status: criteria provided, single submitter. Criteria: Quest Diagnostics criteria. Collection method: clinical testing. Allele origin: unknown.

Labcorp Genetics (formerly Invitae), Labcorp
Classification: Uncertain significance for Ataxia-telangiectasia syndrome. Last evaluated: 2024-12-09. Review status: criteria provided, single submitter. Criteria: Invitae Variant Classification Sherloc (09022015). Collection method: clinical testing. Allele origin: germline.
Comment: This sequence change replaces serine, which is neutral and polar, with leucine, which is neutral and non-polar, at codon 1857 of the ATM protein (p.Ser1857Leu). This variant is not present in population databases (gnomAD no frequency). This variant has not been reported in the literature in individuals affected with ATM-related conditions. ClinVar contains an entry for this variant (Variation ID: 2896485). Invitae Evidence Modeling of protein sequence and biophysical properties (such as structural, functional, and spatial information, amino acid conservation, physicochemical variation, residue mobility, and thermodynamic stability) indicates that this missense variant is not expected to disrupt ATM protein function with a negative predictive value of 95%. In summary, the available evidence is currently insufficient to determine the role of this variant in disease. Therefore, it has been classified as a Variant of Uncertain Significance.